The following is an entry in ClinVar:

NM_025144.4(ALPK1):c.2036C>G (p.Thr679Ser)

Gene: ALPK1 (alpha kinase 1; plus strand). Cytogenetic location: 4q25.
Variant type: single nucleotide variant.
Coding change: c.2036C>G on transcript NM_025144.4 (MANE Select); coding-DNA position 2036, C replaced by G.
Protein change: p.Thr679Ser; replaces threonine 679 with serine.
Molecular consequence: missense variant.
Genome position (GRCh38, 1-based): chr4:112,431,583, C>G. VCF-style: chr4-112431583-C-G. GRCh37 (hg19) VCF-style: chr4-113352739-C-G.
Other names: c.2036C>G, p.Thr679Ser (NM_001102406.2); c.1802C>G, p.Thr601Ser (NM_001253884.2); short protein forms T601S, T679S.
Identifiers: ClinVar variation 4739158 (VCV004739158.1).

ClinVar aggregate classification (germline): Uncertain significance (1 of 4 stars; one submission).

gnomAD v4.1: 12 of 1,614,062 alleles (0.00074%); highest among the groups gnomAD compares: African/African-American, 0.0027%; no homozygotes.

Submission:

Labcorp Genetics (formerly Invitae), Labcorp
Classification: Uncertain significance. Last evaluated: 2025-03-13. Review status: criteria provided, single submitter. Criteria: Invitae Variant Classification Sherloc (09022015). Collection method: clinical testing. Allele origin: germline.
Comment: This sequence change replaces threonine, which is neutral and polar, with serine, which is neutral and polar, at codon 679 of the ALPK1 protein (p.Thr679Ser). This variant is present in population databases (rs368719469, gnomAD 0.008%). This variant has not been reported in the literature in individuals affected with ALPK1-related conditions. Invitae Evidence Modeling of protein sequence and biophysical properties (such as structural, functional, and spatial information, amino acid conservation, physicochemical variation, residue mobility, and thermodynamic stability) indicates that this missense variant is not expected to disrupt ALPK1 protein function with a negative predictive value of 80%. In summary, the available evidence is currently insufficient to determine the role of this variant in disease. Therefore, it has been classified as a Variant of Uncertain Significance.